The following is an entry in ClinVar:

NM_004655.4(AXIN2):c.604A>C (p.Ser202Arg)

Gene: AXIN2 (axin 2; minus strand). Cytogenetic location: 17q24.1.
Variant type: single nucleotide variant.
Coding change: c.604A>C on transcript NM_004655.4 (MANE Select); coding-DNA position 604, A replaced by C.
Protein change: p.Ser202Arg; replaces serine 202 with arginine.
Molecular consequence: missense variant.
Genome position (GRCh38, 1-based): chr17:65,558,017, T>G on the plus strand (A>C on the coding strand, the complement: AXIN2 is on the minus strand). VCF-style: chr17-65558017-T-G. GRCh37 (hg19) VCF-style: chr17-63554135-T-G.
Other names: c.604A>C, p.Ser202Arg (NM_001363813.1); short protein forms S202R.
Identifiers: ClinVar variation 1051902 (VCV001051902.12), dbSNP rs780801809, ClinGen allele CA8719023.

ClinVar aggregate classification (germline): Uncertain significance. Review status: criteria provided, multiple submitters, no conflicts (2 of 4 stars). 3 submissions from 3 submitters: Uncertain significance (3). Last evaluated 2025-11-05.

Conditions:
Colorectal cancer. Also called: Colorectal cancer, somatic; Malignant Colorectal Neoplasm. Identifiers: MedGen C0346629, MONDO:0005575, OMIM 114500.
Hereditary cancer-predisposing syndrome. Also called: Tumor predisposition; Hereditary neoplastic syndrome; Hereditary Cancer Syndrome; Neoplastic Syndromes, Hereditary. Identifiers: Orphanet 140162, MedGen C0027672, MeSH D009386, MONDO:0015356.
Oligodontia-cancer predisposition syndrome. Also called: TOOTH AGENESIS-COLORECTAL CANCER SYNDROME. Identifiers: Orphanet 300576, MedGen C1837750, MONDO:0012075, OMIM 608615. Disease mechanism: loss of function.

Allele frequency attached by ClinVar (database versions not stated): gnomAD exomes below 0.00001; ExAC 0.00001; gnomAD 0.00001.
gnomAD v4.1: 1 of 1,614,068 alleles (0.000062%); highest among the groups gnomAD compares: African/African-American, 0.0013%; no homozygotes.

Submissions (3):

Labcorp Genetics (formerly Invitae), Labcorp
Classification: Uncertain significance for Oligodontia-cancer predisposition syndrome. Last evaluated: 2025-11-05. Review status: criteria provided, single submitter. Criteria: Invitae Variant Classification Sherloc (09022015). Collection method: clinical testing. Allele origin: germline.
Comment: This sequence change replaces serine, which is neutral and polar, with arginine, which is basic and polar, at codon 202 of the AXIN2 protein (p.Ser202Arg). This variant is present in population databases (rs780801809, gnomAD 0.007%). This variant has not been reported in the literature in individuals affected with AXIN2-related conditions. ClinVar contains an entry for this variant (Variation ID: 1051902). Invitae Evidence Modeling of protein sequence and biophysical properties (such as structural, functional, and spatial information, amino acid conservation, physicochemical variation, residue mobility, and thermodynamic stability) indicates that this missense variant is not expected to disrupt AXIN2 protein function with a negative predictive value of 80%. In summary, the available evidence is currently insufficient to determine the role of this variant in disease. Therefore, it has been classified as a Variant of Uncertain Significance.

Ambry Genetics
Classification: Uncertain significance for Hereditary cancer-predisposing syndrome. Last evaluated: 2024-04-27. Review status: criteria provided, single submitter. Criteria: Ambry Variant Classification Scheme 2023. Collection method: clinical testing. Allele origin: germline.
Comment: The p.S202R variant (also known as c.604A>C), located in coding exon 1 of the AXIN2 gene, results from an A to C substitution at nucleotide position 604. The serine at codon 202 is replaced by arginine, an amino acid with dissimilar properties. This amino acid position is not well conserved in available vertebrate species. In addition, the in silico prediction for this alteration is inconclusive. Since supporting evidence is limited at this time, the clinical significance of this alteration remains unclear.

Baylor Genetics
Classification: Uncertain significance for Colorectal cancer. Last evaluated: 2023-07-04. Review status: criteria provided, single submitter. Criteria: ACMG Guidelines, 2015. Collection method: clinical testing. Allele origin: unknown.